The following is an entry in ClinVar:

ClinVar aggregate classification (germline): Pathogenic (1 of 4 stars; one submission).

Conditions:
Glycogen storage disease, type VII (GSD7). Also called: GSD VII; MUSCLE PHOSPHOFRUCTOKINASE DEFICIENCY; PFKM DEFICIENCY; TARUI DISEASE. Identifiers: Orphanet 371, MedGen C0017926, MONDO:0009295, OMIM 232800.

Submission:

Myriad Genetics, Inc.
Classification: Pathogenic for Glycogen storage disease, type VII. Last evaluated: 2023-09-10. Review status: criteria provided, single submitter. Criteria: Myriad Autosomal Dominant, Autosomal Recessive and X-Linked Classification Criteria (2023). Collection method: clinical testing. Allele origin: unknown.
Comment: NM_001166686.1(PFKM):c.1347_1348delCA(M450Efs*18) is expected to be pathogenic in the context of glycogen storage disease, PFKM-related. This variant is predicted to lead to an abnormal or absent protein product due to the creation of a premature termination codon in PFKM, a gene where loss-of-function variants are known to be pathogenic. Please note: this variant was assessed in the context of healthy population screening.

NM_000289.6(PFKM):c.1134_1135del (p.Met379fs)

Gene: PFKM (phosphofructokinase, muscle; plus strand). Cytogenetic location: 12q13.11.
Variant type: Deletion.
Coding change: c.1134_1135del on transcript NM_000289.6 (MANE Select); coding-DNA positions 1134 to 1135, 2 bases deleted (CA; older notation c.1134_1135delCA).
Protein change: p.Met379fs; shifts the reading frame from methionine 379.
Molecular consequence: frameshift variant. On other transcripts: non-coding transcript variant (6).
Genome position (GRCh38, 1-based): chr12:48,139,855-48,139,856, CA deleted. VCF-style (leftmost placement, unchanged base first): chr12-48139854-TCA-T. GRCh37 (hg19) VCF-style: chr12-48533637-TCA-T.
Other names: c.1347_1348del, p.Met450fs (NM_001166686.2, NM_001354737.1, NM_001354738.1 and 1 more transcripts); c.1134_1135del, p.Met379fs (NM_001166687.2, NM_001166688.2, NM_001354742.2 and 2 more transcripts); c.1443_1444del, p.Met482fs (NM_001354735.1, NM_001354736.1); c.1278_1279del, p.Met427fs (NM_001354740.1); c.1158_1159del, p.Met387fs (NM_001354741.2); c.1047_1048del, p.Met350fs (NM_001354745.2); c.1008_1009del, p.Met337fs (NM_001354746.2); c.984_985del, p.Met329fs (NM_001354747.2, NM_001354748.2); and 2 more; short protein forms M329fs, M337fs, M348fs, M350fs, M379fs, M387fs, M419fs, M427fs.
Identifiers: ClinVar variation 5011635 (VCV005011635.1).